The following is an entry in ClinVar:

ClinVar aggregate classification (germline): Uncertain significance (1 of 4 stars; one submission).

Conditions:
Cardiovascular phenotype. Identifiers: MedGen CN230736.

gnomAD v4.1: 2 of 1,614,150 alleles (0.00012%); highest among the groups gnomAD compares: Non-Finnish European, 0.00017%; no homozygotes.

Submission:

Ambry Genetics
Classification: Uncertain significance for Cardiovascular phenotype. Last evaluated: 2025-07-12. Review status: criteria provided, single submitter. Criteria: Ambry Variant Classification Scheme 2023. Collection method: clinical testing. Allele origin: germline.
Comment: The p.T46N variant (also known as c.137C>A), located in coding exon 2 of the ABCG8 gene, results from a C to A substitution at nucleotide position 137. The threonine at codon 46 is replaced by asparagine, an amino acid with similar properties. This amino acid position is conserved. In addition, this alteration is predicted to be tolerated by in silico analysis. Based on the available evidence, the clinical significance of this variant remains unclear.

NM_022437.3(ABCG8):c.137C>A (p.Thr46Asn)

Gene: ABCG8 (ATP binding cassette subfamily G member 8; plus strand). Cytogenetic location: 2p21.
Variant type: single nucleotide variant.
Coding change: c.137C>A on transcript NM_022437.3 (MANE Select); coding-DNA position 137, C replaced by A.
Protein change: p.Thr46Asn; replaces threonine 46 with asparagine.
Molecular consequence: missense variant.
Genome position (GRCh38, 1-based): chr2:43,844,580, C>A. VCF-style: chr2-43844580-C-A. GRCh37 (hg19) VCF-style: chr2-44071719-C-A.
Other names: c.137C>A, p.Thr46Asn (NM_001357321.2); short protein forms T46N.
Identifiers: ClinVar variation 4150387 (VCV004150387.1).